The following is an entry in ClinVar:

ClinVar aggregate classification (germline): Uncertain significance. Review status: criteria provided, multiple submitters, no conflicts (2 of 4 stars). 3 submissions from 3 submitters: Uncertain significance (3). Last evaluated 2025-12-15.

Conditions:
Primary ciliary dyskinesia 32. Also called: CILIARY DYSKINESIA, PRIMARY, 32, WITHOUT SITUS INVERSUS. Identifiers: Orphanet 244, MedGen C4225311, MONDO:0014657, OMIM 616481.
Inborn genetic diseases. Identifiers: MedGen C0950123, MeSH D030342.

Allele frequency attached by ClinVar (database versions not stated): TOPMed 0.00007; ESP Exome Variant Server 0.00015; gnomAD exomes 0.00001 and 0.00003; ExAC 0.00004; gnomAD 0.00009; 1000 Genomes Project 30x 0.00031.
gnomAD v4.1: 33 of 1,612,714 alleles (0.002%); highest among the groups gnomAD compares: African/African-American, 0.031%; no homozygotes.

Submissions (3):

Dasa
Classification: Uncertain significance for Primary ciliary dyskinesia 32. Last evaluated: 2025-12-15. Review status: criteria provided, single submitter. Criteria: DASA Assertion Criteria. Collection method: clinical testing. Allele origin: germline.
Comment: NM_031924.8(RSPH3):c.502T>C (p.Phe168Leu) is a missense variant that results in the substitution of phenylalanine with leucine. This variant is rare in population databases. Computational prediction algorithms are consistent with a deleterious effect. The currently available literature and clinical evidence are not sufficient to establish a definitive association between this variant and the reported condition. Therefore, this variant is classified as a variant of uncertain significance.

Ambry Genetics
Classification: Uncertain significance for Inborn genetic diseases. Last evaluated: 2025-09-01. Review status: criteria provided, single submitter. Criteria: Ambry Variant Classification Scheme 2023. Collection method: clinical testing. Allele origin: germline.

Labcorp Genetics (formerly Invitae), Labcorp
Classification: Uncertain significance for Primary ciliary dyskinesia 32. Last evaluated: 2022-08-16. Review status: criteria provided, single submitter. Criteria: Invitae Variant Classification Sherloc (09022015). Collection method: clinical testing. Allele origin: germline.
Comment: This sequence change replaces phenylalanine, which is neutral and non-polar, with leucine, which is neutral and non-polar, at codon 310 of the RSPH3 protein (p.Phe310Leu). This variant is present in population databases (rs377691194, gnomAD 0.03%). This variant has not been reported in the literature in individuals affected with RSPH3-related conditions. ClinVar contains an entry for this variant (Variation ID: 657722). Algorithms developed to predict the effect of missense changes on protein structure and function are either unavailable or do not agree on the potential impact of this missense change (SIFT: "Deleterious"; PolyPhen-2: "Probably Damaging"; Align-GVGD: "Class C15"). Algorithms developed to predict the effect of sequence changes on RNA splicing suggest that this variant may disrupt the consensus splice site. In summary, the available evidence is currently insufficient to determine the role of this variant in disease. Therefore, it has been classified as a Variant of Uncertain Significance.

NM_031924.8(RSPH3):c.502T>C (p.Phe168Leu)

Gene: RSPH3 (radial spoke head 3; minus strand). Cytogenetic location: 6q25.3.
Variant type: single nucleotide variant.
Coding change: c.502T>C on transcript NM_031924.8 (MANE Select); coding-DNA position 502, T replaced by C.
Protein change: p.Phe168Leu; replaces phenylalanine 168 with leucine.
Molecular consequence: missense variant. On other transcripts: non-coding transcript variant (1).
Genome position (GRCh38, 1-based): chr6:158,982,679, A>G on the plus strand (T>C on the coding strand, the complement: RSPH3 is on the minus strand). VCF-style: chr6-158982679-A-G. GRCh37 (hg19) VCF-style: chr6-159403711-A-G.
Other names: c.640T>C, p.Phe214Leu (NM_001346418.1); short protein forms F214L, F168L.
Identifiers: ClinVar variation 657722 (VCV000657722.10), dbSNP rs377691194, ClinGen allele CA4075879.